The following is an entry in ClinVar:

ClinVar aggregate classification (germline): Uncertain significance (1 of 4 stars; one submission).

Conditions:
Arthrogryposis, distal, type 1A. Also called: ARTHROGRYPOSIS MULTIPLEX CONGENITA, DISTAL, TYPE I. Identifiers: Orphanet 1146, MedGen C6022280, MONDO:0007157, OMIM 108120.

Allele frequency attached by ClinVar (database versions not stated): gnomAD exomes below 0.00001.
gnomAD v4.1: 3 of 1,557,886 alleles (0.00019%); highest among the groups gnomAD compares: Admixed American, 0.0019%; no homozygotes.

Submission:

Labcorp Genetics (formerly Invitae), Labcorp
Classification: Uncertain significance for Distal arthrogryposis type 1A. Last evaluated: 2019-07-23. Review status: criteria provided, single submitter. Criteria: Invitae Variant Classification Sherloc (09022015). Collection method: clinical testing. Allele origin: germline.
Comment: This sequence change replaces alanine with valine at codon 277 of the TPM2 protein (p.Ala277Val). The alanine residue is moderately conserved and there is a small physicochemical difference between alanine and valine. This variant is not present in population databases (ExAC no frequency). This variant has not been reported in the literature in individuals with TPM2-related conditions. Algorithms developed to predict the effect of missense changes on protein structure and function (SIFT, PolyPhen-2, Align-GVGD) all suggest that this variant is likely to be tolerated, but these predictions have not been confirmed by published functional studies and their clinical significance is uncertain. Algorithms developed to predict the effect of sequence changes on RNA splicing suggest that this variant may create or strengthen a splice site, but this prediction has not been confirmed by published transcriptional studies. In summary, the available evidence is currently insufficient to determine the role of this variant in disease. Therefore, it has been classified as a Variant of Uncertain Significance.

NM_003289.4(TPM2):c.830C>T (p.Ala277Val)

Gene: TPM2 (tropomyosin 2; minus strand). Cytogenetic location: 9p13.3.
Variant type: single nucleotide variant.
Coding change: c.830C>T on transcript NM_003289.4 (MANE Select); coding-DNA position 830, C replaced by T.
Protein change: p.Ala277Val; replaces alanine 277 with valine.
Molecular consequence: missense variant. On other transcripts: intron variant (2).
Genome position (GRCh38, 1-based): chr9:35,683,184, G>A on the plus strand (C>T on the coding strand, the complement: TPM2 is on the minus strand). VCF-style: chr9-35683184-G-A. GRCh37 (hg19) VCF-style: chr9-35683181-G-A.
Other names: c.830C>T, p.Ala277Val (NM_001301227.2); c.773-1021C>T (NM_213674.1, NM_001301226.2); short protein forms A277V.
Identifiers: ClinVar variation 857847 (VCV000857847.1), dbSNP rs1824673399, ClinGen allele CA373362835.
Genomic context (GRCh38, chr9:35,683,184, plus strand): 5'-AGAAGAGAGCTGAGGTGGCCACGCTGGCGTGGGGCTCAGAGGGAGGTGATGTCATTGAGT[G>A]CGTTGTCCAGTTCCTCGCTAATGGCCTTGTACTTCATCTTCTGGGCATAGACTTCATCTG-3'
Protein context (NP_003280.2, residues 267-284): YKAISEELDN[Ala277Val]LNDITSL